The following is an entry in ClinVar:

NM_000091.5(COL4A3):c.3624C>A (p.Ala1208=)

Genes: COL4A3 (collagen type IV alpha 3 chain; plus strand), MFF-DT (MFF divergent transcript; minus strand). Cytogenetic location: 2q36.3.
Variant type: single nucleotide variant.
Coding change: c.3624C>A on transcript NM_000091.5 (MANE Select); coding-DNA position 3624, C replaced by A.
Protein change: p.Ala1208=; no amino-acid change (alanine 1208 retained).
Molecular consequence: synonymous variant.
Genome position (GRCh38, 1-based): chr2:227,297,732, C>A. VCF-style: chr2-227297732-C-A. GRCh37 (hg19) VCF-style: chr2-228162448-C-A.
Other names: c.3624C>A (NM_000091.4).
Identifiers: ClinVar variation 1628183 (VCV001628183.9), dbSNP rs771276828, ClinGen allele CA2147312.

ClinVar aggregate classification (germline): Likely benign. Review status: criteria provided, multiple submitters, no conflicts (2 of 4 stars). 2 submissions from 2 submitters: Likely benign (2). Last evaluated 2026-07-20.

Conditions:
COL4A3-related disorder. Also called: COL4A3-Related Disorders; COL4A3-related condition.

Allele frequency attached by ClinVar (database versions not stated): TOPMed below 0.00001; gnomAD exomes 0.00001; ExAC 0.00002.
gnomAD v4.1: 14 of 1,607,440 alleles (0.00087%); highest among the groups gnomAD compares: Middle Eastern, 0.017%; no homozygotes.

Submissions (2):

PreventionGenetics, part of Exact Sciences
Classification: Likely benign for COL4A3-related condition. Last evaluated: 2026-07-20. Review status: criteria provided, single submitter. Criteria: ACMG Guidelines, 2015. Collection method: clinical testing. Allele origin: germline.
Comment: This variant is classified as likely benign based on ACMG/AMP sequence variant interpretation guidelines (Richards et al. 2015 PMID: 25741868, with internal and published modifications).

Labcorp Genetics (formerly Invitae), Labcorp
Classification: Likely benign. Last evaluated: 2024-02-22. Review status: criteria provided, single submitter. Criteria: Invitae Variant Classification Sherloc (09022015). Collection method: clinical testing. Allele origin: germline.